The following is an entry in ClinVar:

ClinVar aggregate classification (germline): Likely benign. Review status: criteria provided, multiple submitters, no conflicts (2 of 4 stars). 3 submissions from 3 submitters: Likely benign (2). 1 of the submissions does not count toward it. Last evaluated 2021-09-01.

Conditions:
MAP1B-related disorder. Also called: MAP1B-related condition.
Inborn genetic diseases. Identifiers: MedGen C0950123, MeSH D030342.

Allele frequency attached by ClinVar (database versions not stated): ExAC 0.00014; gnomAD 0.00021; gnomAD exomes 0.00028; TOPMed 0.00028.
gnomAD v4.1: 122 of 1,613,990 alleles (0.0076%); highest among the groups gnomAD compares: Admixed American, 0.19%; no homozygotes.

Submissions (3):

Ambry Genetics
Classification: Likely benign for Inborn genetic diseases. Last evaluated: 2021-09-01. Review status: criteria provided, single submitter. Criteria: Ambry Variant Classification Scheme 2023. Collection method: clinical testing. Allele origin: germline.

Labcorp Genetics (formerly Invitae), Labcorp
Classification: Likely benign. Last evaluated: 2019-12-31. Review status: criteria provided, single submitter. Criteria: Invitae Variant Classification Sherloc (09022015). Collection method: clinical testing. Allele origin: germline.

PreventionGenetics, part of Exact Sciences
Classification: Likely benign for MAP1B-related condition. Last evaluated: 2024-09-14. Review status: no assertion criteria provided. Collection method: clinical testing. Allele origin: germline. Not counted in ClinVar's aggregate classification.
Comment: This variant is classified as likely benign based on ACMG/AMP sequence variant interpretation guidelines (Richards et al. 2015 PMID: 25741868, with internal and published modifications).

NM_005909.5(MAP1B):c.5818T>G (p.Tyr1940Asp)

Gene: MAP1B (microtubule associated protein 1B; plus strand). Cytogenetic location: 5q13.2.
Variant type: single nucleotide variant.
Coding change: c.5818T>G on transcript NM_005909.5 (MANE Select); coding-DNA position 5818, T replaced by G.
Protein change: p.Tyr1940Asp; replaces tyrosine 1940 with aspartic acid.
Molecular consequence: missense variant.
Genome position (GRCh38, 1-based): chr5:72,199,173, T>G. VCF-style: chr5-72199173-T-G. GRCh37 (hg19) VCF-style: chr5-71495000-T-G.
Other names: c.5440T>G, p.Tyr1814Asp (NM_001324255.2); c.5818T>G (NM_005909.3); short protein forms Y1940D, Y1814D.
Identifiers: ClinVar variation 740105 (VCV000740105.8), dbSNP rs753302064, ClinGen allele CA3299384.